The following is an entry in ClinVar:

NM_006766.5(KAT6A):c.3819AGA[1] (p.Glu1275del)

Gene: KAT6A (lysine acetyltransferase 6A; minus strand). Cytogenetic location: 8p11.21.
Variant type: Microsatellite.
Coding change: c.3819AGA[1] on transcript NM_006766.5 (MANE Select); one copy of the 3-base unit AGA starting at c.3819; the reference has two copies in a row; one copy, 3 bases deleted.
Protein change: p.Glu1275del; deletes glutamic acid 1275.
Molecular consequence: inframe deletion.
Genome position (GRCh38, 1-based): chr8:41,934,396-41,934,398, TCT deleted on the plus strand (AGA on the coding strand, the reverse complement: KAT6A is on the minus strand); deleting any 3 consecutive bases within chr8:41,934,396-41,934,403 gives the same sequence; the position shown is the placement nearest the transcript's 3' end. VCF-style (leftmost placement, unchanged base first): chr8-41934395-CTCT-C. GRCh37 (hg19) VCF-style: chr8-41791913-CTCT-C.
Other names: c.3822_3824delAGA (NM_006766.5); short protein forms E1275del.
Identifiers: ClinVar variation 3902305 (VCV003902305.1).

ClinVar aggregate classification (germline): Uncertain significance (1 of 4 stars; one submission).

Submission:

Women's Health and Genetics/Laboratory Corporation of America, LabCorp
Classification: Uncertain significance. Last evaluated: 2025-05-12. Review status: criteria provided, single submitter. Criteria: LabCorp Variant Classification Summary - May 2015. Collection method: clinical testing. Allele origin: germline.
Comment: Variant summary: KAT6A c.3822_3824delAGA (p.Glu1275del) results in an in-frame deletion that is predicted to remove one amino acid from the encoded protein. The variant was absent in 245490 control chromosomes. The available data on variant occurrences in the general population are insufficient to allow any conclusion about variant significance. To our knowledge, no occurrence of c.3822_3824delAGA in individuals affected with Arboleda-Tham Syndrome and no experimental evidence demonstrating its impact on protein function have been reported. No submitters have cited clinical-significance assessments for this variant to ClinVar. Based on the evidence outlined above, the variant was classified as uncertain significance.